The following is an entry in ClinVar:

NM_003000.3(SDHB):c.210dup (p.Met71fs)

Gene: SDHB (succinate dehydrogenase complex iron sulfur subunit B; minus strand). Cytogenetic location: 1p36.13.
Variant type: Duplication.
Coding change: c.210dup on transcript NM_003000.3 (MANE Select); coding-DNA position 210, one base duplicated (C; older notation c.210dupC).
Protein change: p.Met71fs; shifts the reading frame from methionine 71.
Molecular consequence: frameshift variant.
Genome position (GRCh38, 1-based): chr1:17,033,136, G duplicated on the plus strand (C on the coding strand, the reverse complement: SDHB is on the minus strand); the first of 4 consecutive G bases (chr1:17,033,136-17,033,139); duplicating any one gives the same sequence. VCF-style (leftmost placement, unchanged base first): chr1-17033135-T-TG. GRCh37 (hg19) VCF-style: chr1-17359630-T-TG.
Other names: c.210dupC (NM_003000.2); short protein forms M71fs.
Identifiers: ClinVar variation 201604 (VCV000201604.14), dbSNP rs794728947, ClinGen allele CA308154.

ClinVar aggregate classification (germline): Pathogenic. Review status: criteria provided, multiple submitters, no conflicts (2 of 4 stars). 4 submissions from 4 submitters: Pathogenic (4). Last evaluated 2025-12-08.

Conditions:
Pheochromocytoma/paraganglioma syndrome 4. Also called: SDHB-Related Hereditary Paraganglioma-Pheochromocytoma Syndrome (Paragangliomas 4); SDHB-Related Hereditary Paraganglioma-Pheochromocytoma Syndrome; CAROTID BODY TUMORS AND MULTIPLE EXTRAADRENAL PHEOCHROMOCYTOMAS; PARAGANGLIOMA, FAMILIAL MALIGNANT; PARAGANGLIOMAS, HEREDITARY EXTRAADRENAL; PHEOCHROMOCYTOMA, FAMILIAL EXTRAADRENAL. Identifiers: Orphanet 29072, MedGen C1861848, MONDO:0007273, OMIM 115310.
Gastrointestinal stromal tumor. Also called: Gastrointestinal stromal tumor, somatic; Gastrointestinal stroma tumor. Identifiers: Orphanet 44890, MedGen C0238198, MeSH D046152, MONDO:0011719, OMIM 606764, HP:0100723.
Pheochromocytoma. Also called: MAX-Related Hereditary Paraganglioma-Pheochromocytoma Syndrome. Identifiers: Orphanet 29072, MedGen C0031511, MONDO:0008233, OMIM 171300, HP:0002666.
Hereditary cancer-predisposing syndrome. Also called: Tumor predisposition; Hereditary Cancer Syndrome; Hereditary neoplastic syndrome; Neoplastic Syndromes, Hereditary. Identifiers: Orphanet 140162, MedGen C0027672, MeSH D009386, MONDO:0015356.

Submissions (4):

Labcorp Genetics (formerly Invitae), Labcorp
Classification: Pathogenic for Gastrointestinal stromal tumor; Pheochromocytoma/paraganglioma syndrome 4; Pheochromocytoma. Last evaluated: 2025-12-08. Review status: criteria provided, single submitter. Criteria: Invitae Variant Classification Sherloc (09022015). Collection method: clinical testing. Allele origin: germline.
Comment: This sequence change creates a premature translational stop signal (p.Met71Hisfs*10) in the SDHB gene. It is expected to result in an absent or disrupted protein product. Loss-of-function variants in SDHB are known to be pathogenic (PMID: 19454582, 19802898). This variant is not present in population databases (gnomAD no frequency). This premature translational stop signal has been observed in individual(s) with head and neck paragangliomas (PMID: 11897817). This variant is also known as c.207–210insC (p.M71fsX80). ClinVar contains an entry for this variant (Variation ID: 201604). For these reasons, this variant has been classified as Pathogenic.

Myriad Genetics, Inc.
Classification: Pathogenic for Pheochromocytoma/paraganglioma syndrome 4. Last evaluated: 2024-08-13. Review status: criteria provided, single submitter. Criteria: Myriad Autosomal Dominant, Autosomal Recessive and X-Linked Classification Criteria (2023). Collection method: clinical testing. Allele origin: unknown.
Comment: This variant is considered pathogenic. This variant creates a frameshift predicted to result in premature protein truncation.

Ambry Genetics
Classification: Pathogenic for Hereditary cancer-predisposing syndrome. Last evaluated: 2021-04-07. Review status: criteria provided, single submitter. Criteria: Ambry Variant Classification Scheme 2023. Collection method: clinical testing. Allele origin: germline.
Comment: The c.210dupC pathogenic mutation, located in coding exon 3 of the SDHB gene, results from a duplication of C at nucleotide position 210, causing a translational frameshift with a predicted alternate stop codon. This alteration was reported (as c.207_210insC) in 1/55 individuals with head and neck cancers, and segregated with disease in two individuals in that family (Baysal BE et al. J. Med. Genet. 2002 Mar;39(3):178-83). In addition to the clinical data presented in the literature, this alteration is expected to result in loss of function by premature protein truncation or nonsense-mediated mRNA decay. As such, this alteration is interpreted as a disease-causing mutation.

GeneDx
Classification: Pathogenic. Last evaluated: 2014-07-08. Review status: criteria provided, single submitter. Criteria: GeneDx Variant Classification (06012015). Collection method: clinical testing. Allele origin: germline. Affected: yes.
Comment: The c.210dupC mutation in the SDHB gene causes a frameshift starting with codon Methionine 71, changes this amino acid to a Histidine residue and creates a premature Stop codon at position 10 of the new reading frame, denoted p.Met71HisfsX10. This mutation is predicted to cause loss of normal protein function either through protein truncation or nonsense-mediated mRNA decay. The variant is found in the SDHB panel(s).

Literature cited by the submitters: PubMed 19454582 (cited by Labcorp Genetics (formerly Invitae), Labcorp); PubMed 19802898 (cited by Labcorp Genetics (formerly Invitae), Labcorp); PubMed 11897817 (cited by Labcorp Genetics (formerly Invitae), Labcorp and Ambry Genetics).